The following is an entry in ClinVar:

NM_000179.3(MSH6):c.2259T>C (p.Ser753=)

Gene: MSH6 (mutS homolog 6; plus strand). Cytogenetic location: 2p16.3.
Variant type: single nucleotide variant.
Coding change: c.2259T>C on transcript NM_000179.3 (MANE Select); coding-DNA position 2259, T replaced by C.
Protein change: p.Ser753=; no amino-acid change (serine 753 retained).
Molecular consequence: synonymous variant.
Genome position (GRCh38, 1-based): chr2:47,800,242, T>C. VCF-style: chr2-47800242-T-C. GRCh37 (hg19) VCF-style: chr2-48027381-T-C.
Other names: c.1869T>C, p.Ser623= (NM_001281492.2); c.1353T>C, p.Ser451= (NM_001281493.2, NM_001281494.2).
Identifiers: ClinVar variation 1155991 (VCV001155991.10), dbSNP rs2104396826, ClinGen allele CA426121385.
Genomic context (GRCh38, chr2:47,800,242, plus strand): 5'-GGTGCTAGATGCAGTGACATTAAACAACTTGGAGATTTTTCTGAATGGAACAAATGGTTC[T>C]ACTGAAGGAACCCTACTAGAGAGGGTTGATACTTGCCATACTCCTTTTGGTAAGCGGCTC-3'
Protein context (NP_000170.1, residues 743-763): LEIFLNGTNG[Ser753=]TEGTLLERVD

ClinVar aggregate classification (germline): Benign/Likely benign. Review status: criteria provided, multiple submitters, no conflicts (2 of 4 stars). 2 submissions from 2 submitters: Benign (1); Likely benign (1). Last evaluated 2024-12-30.

Conditions:
Hereditary nonpolyposis colorectal neoplasms. Identifiers: MedGen C0009405, MeSH D003123.
Lynch syndrome 5 (LYNCH5). Also called: Colorectal cancer, hereditary nonpolyposis, type 5; Hereditary non-polyposis colorectal cancer, type 5. Identifiers: Orphanet 144, MedGen C1833477, MONDO:0013710, OMIM 614350. Disease mechanism: loss of function.

Submissions (2):

Myriad Genetics, Inc.
Classification: Benign for Lynch syndrome 5. Last evaluated: 2024-12-30. Review status: criteria provided, single submitter. Criteria: Myriad Autosomal Dominant, Autosomal Recessive and X-Linked Classification Criteria (2023). Collection method: clinical testing. Allele origin: unknown.
Comment: This variant is considered benign. This variant is a silent/synonymous amino acid change and it is not expected to impact splicing.

Labcorp Genetics (formerly Invitae), Labcorp
Classification: Likely benign for Hereditary nonpolyposis colorectal neoplasms. Last evaluated: 2024-11-11. Review status: criteria provided, single submitter. Criteria: Invitae Variant Classification Sherloc (09022015). Collection method: clinical testing. Allele origin: germline.